The following is an entry in ClinVar:

ClinVar aggregate classification (germline): Uncertain significance (1 of 4 stars; one submission).

Conditions:
Hypertrophic cardiomyopathy 26. Also called: Cardiomyopathy, familial hypertrophic, 26. Identifiers: Orphanet 75249, MedGen C4310749, MONDO:0014883, OMIM 617047.
Myofibrillar myopathy 5. Also called: Filaminopathy (type); FILAMINOPATHY, AUTOSOMAL DOMINANT. Identifiers: Orphanet 171445, MedGen C1836050, MONDO:0012289, OMIM 609524.
Distal myopathy with posterior leg and anterior hand involvement. Also called: WILLIAMS DISTAL MYOPATHY. Identifiers: Orphanet 63273, MedGen C3279722, MONDO:0013550, OMIM 614065.

Submission:

Labcorp Genetics (formerly Invitae), Labcorp
Classification: Uncertain significance for Distal myopathy with posterior leg and anterior hand involvement; Myofibrillar myopathy 5; Hypertrophic cardiomyopathy 26. Last evaluated: 2025-11-06. Review status: criteria provided, single submitter. Criteria: Invitae Variant Classification Sherloc (09022015). Collection method: clinical testing. Allele origin: germline.
Comment: This sequence change replaces threonine, which is neutral and polar, with serine, which is neutral and polar, at codon 2665 of the FLNC protein (p.Thr2665Ser). This variant is not present in population databases (gnomAD no frequency). This variant has not been reported in the literature in individuals affected with FLNC-related conditions. Invitae Evidence Modeling of protein sequence and biophysical properties (such as structural, functional, and spatial information, amino acid conservation, physicochemical variation, residue mobility, and thermodynamic stability) indicates that this missense variant is not expected to disrupt FLNC protein function with a negative predictive value of 95%. In summary, the available evidence is currently insufficient to determine the role of this variant in disease. Therefore, it has been classified as a Variant of Uncertain Significance.

NM_001458.5(FLNC):c.7994C>G (p.Thr2665Ser)

Genes: FLNC-AS1 (FLNC antisense RNA 1; minus strand), FLNC (filamin C; plus strand). Cytogenetic location: 7q32.1.
Variant type: single nucleotide variant.
Coding change: c.7994C>G on transcript NM_001458.5 (MANE Select); coding-DNA position 7994, C replaced by G.
Protein change: p.Thr2665Ser; replaces threonine 2665 with serine.
Molecular consequence: missense variant.
Genome position (GRCh38, 1-based): chr7:128,858,339, C>G. VCF-style: chr7-128858339-C-G. GRCh37 (hg19) VCF-style: chr7-128498393-C-G.
Other names: c.7895C>G, p.Thr2632Ser (NM_001127487.2); short protein forms T2632S, T2665S.
Identifiers: ClinVar variation 4812719 (VCV004812719.1).